The following is an entry in ClinVar:

ClinVar aggregate classification (germline): Uncertain significance (1 of 4 stars; one submission).

Submission:

Ambry Genetics
Classification: Uncertain significance. Last evaluated: 2024-07-26. Review status: criteria provided, single submitter. Criteria: Ambry Variant Classification Scheme 2023. Collection method: clinical testing. Allele origin: germline.
Comment: The p.Q405H variant (also known as c.1215G>C), located in coding exon 12 of the KIF1B gene, results from a G to C substitution at nucleotide position 1215. The glutamine at codon 405 is replaced by histidine, an amino acid with highly similar properties. This amino acid position is conserved. In addition, the in silico prediction for this alteration is inconclusive. Based on the available evidence, the clinical significance of this variant remains unclear.

NM_001365951.3(KIF1B):c.1353G>C (p.Gln451His)

Gene: KIF1B (kinesin family member 1B; plus strand). Cytogenetic location: 1p36.22.
Variant type: single nucleotide variant.
Coding change: c.1353G>C on transcript NM_001365951.3 (MANE Select); coding-DNA position 1353, G replaced by C.
Protein change: p.Gln451His; replaces glutamine 451 with histidine.
Molecular consequence: missense variant.
Genome position (GRCh38, 1-based): chr1:10,282,452, G>C. VCF-style: chr1-10282452-G-C. GRCh37 (hg19) VCF-style: chr1-10342510-G-C.
Other names: c.1353G>C, p.Gln451His (NM_001365952.1); c.1215G>C, p.Gln405His (NM_001365953.1, NM_015074.3, NM_183416.4); short protein forms Q405H, Q451H.
Identifiers: ClinVar variation 3533946 (VCV003533946.1).
Genomic context (GRCh38, chr1:10,282,452, plus strand): 5'-TTCCACAGCATCCATGGGGTCCCTCACTTCATCCCCATCTTCCTGCTCACTCAGTAGTCA[G>C]GTGGGCTTGACGTCTGTGACCAGTATTCAAGAGAGGATCATGTCTACACCTGGAGGAGAG-3'
Protein context (NP_001352880.1, residues 441-461): SSPSSCSLSS[Gln451His]VGLTSVTSIQ